The following is an entry in ClinVar:

NM_004700.4(KCNQ4):c.1017G>T (p.Arg339Ser)

Gene: KCNQ4 (potassium voltage-gated channel subfamily Q member 4; plus strand). Cytogenetic location: 1p34.2.
Variant type: single nucleotide variant.
Coding change: c.1017G>T on transcript NM_004700.4 (MANE Select); coding-DNA position 1017, G replaced by T.
Protein change: p.Arg339Ser; replaces arginine 339 with serine.
Molecular consequence: missense variant.
Genome position (GRCh38, 1-based): chr1:40,820,236, G>T. VCF-style: chr1-40820236-G-T. GRCh37 (hg19) VCF-style: chr1-41285908-G-T.
Other names: c.1017G>T, p.Arg339Ser (NM_172163.3); short protein forms R339S.
Identifiers: ClinVar variation 505853 (VCV000505853.4), dbSNP rs769086004, ClinGen allele CA794715.

ClinVar aggregate classification (germline): Uncertain significance (1 of 4 stars; one submission).

Allele frequency attached by ClinVar (database versions not stated): ExAC 0.00001; gnomAD exomes 0.00001.
gnomAD v4.1: 5 of 1,608,598 alleles (0.00031%); highest among the groups gnomAD compares: Non-Finnish European, 0.00042%; no homozygotes.

Submission:

Laboratory for Molecular Medicine, Mass General Brigham Personalized Medicine
Classification: Uncertain significance. Last evaluated: 2017-06-12. Review status: criteria provided, single submitter. Criteria: LMM Criteria. Collection method: clinical testing. Allele origin: germline. Observed: 2 variant alleles.
Comment: The p.Arg339Ser variant in KCNQ4 has not been previously reported in individuals with hearing loss, but has been identified in 1/105460 European chromosomes by the Genome Aggregation Database (gnomAD; dbSNP rs769086004). Although this variant has been seen in the general population, it s frequency is not high enough to rule out a pathogenic role. Computational pred iction tools and conservation analysis suggest that this variant may impact the protein, though this information is not predictive enough to determine pathogeni city. In summary, the clinical significance of the p.Arg339Ser variant is uncert ain.